The following is an entry in ClinVar:

NM_002529.4(NTRK1):c.855G>A (p.Pro285=)

Gene: NTRK1 (neurotrophic receptor tyrosine kinase 1; plus strand). Cytogenetic location: 1q23.1.
Variant type: single nucleotide variant.
Coding change: c.855G>A on transcript NM_002529.4 (MANE Select); coding-DNA position 855, G replaced by A.
Protein change: p.Pro285=; no amino-acid change (proline 285 retained).
Molecular consequence: synonymous variant.
Genome position (GRCh38, 1-based): chr1:156,873,637, G>A. VCF-style: chr1-156873637-G-A. GRCh37 (hg19) VCF-style: chr1-156843429-G-A.
Other names: c.765G>A, p.Pro255= (NM_001007792.1); c.855G>A, p.Pro285= (NM_001012331.2); c.855G>A (NM_002529.3).
Identifiers: ClinVar variation 1086218 (VCV001086218.10), dbSNP rs776087801, ClinGen allele CA1169133.

ClinVar aggregate classification (germline): Likely benign. Review status: criteria provided, multiple submitters, no conflicts (2 of 4 stars). 2 submissions from 2 submitters: Likely benign (2). Last evaluated 2025-04-17.

Conditions:
Hereditary insensitivity to pain with anhidrosis (CIPA). Also called: INSENSITIVITY TO PAIN, CONGENITAL, WITH ANHIDROSIS; HSAN Type IV; NTRK1 Congenital Insensitivity to Pain with Anhidrosis; hereditary sensory and autonomic neuropathy type 4; FAMILIAL DYSAUTONOMIA, TYPE II; NEUROPATHY, CONGENITAL SENSORY, WITH ANHIDROSIS. Identifiers: Orphanet 642, MedGen C0020074, MONDO:0009746, OMIM 256800.
NTRK1-related disorder. Also called: NTRK1-related condition.

Allele frequency attached by ClinVar (database versions not stated): ExAC 0.00002; gnomAD 0.00003; TOPMed 0.00003.
gnomAD v4.1: 13 of 1,610,344 alleles (0.00081%); highest among the groups gnomAD compares: African/African-American, 0.0067%; no homozygotes.

Submissions (2):

PreventionGenetics, part of Exact Sciences
Classification: Likely benign for NTRK1-related condition. Last evaluated: 2025-04-17. Review status: criteria provided, single submitter. Criteria: ACMG Guidelines, 2015. Collection method: clinical testing. Allele origin: germline.
Comment: This variant is classified as likely benign based on ACMG/AMP sequence variant interpretation guidelines (Richards et al. 2015 PMID: 25741868, with internal and published modifications).

Labcorp Genetics (formerly Invitae), Labcorp
Classification: Likely benign for Hereditary insensitivity to pain with anhidrosis. Last evaluated: 2023-06-28. Review status: criteria provided, single submitter. Criteria: Invitae Variant Classification Sherloc (09022015). Collection method: clinical testing. Allele origin: germline.